The following is an entry in ClinVar:

ClinVar aggregate classification (germline): Uncertain significance. Review status: reviewed by expert panel (3 of 4 stars). 2 submissions from 2 submitters: Uncertain significance (1). 1 of the submissions does not count toward it. Last evaluated 2024-10-29.

Conditions:
Hereditary thrombocytopenia and hematological cancer predisposition syndrome associated with RUNX1. Also called: Familial thrombocytopenia with propensity to acute myelogenous leukemia; PLATELET DISORDER, ASPIRIN-LIKE; RUNX1 Familial Platelet Disorder with Associated Myeloid Malignancies; Familial Platelet Disorder with Propensity to Acute Myelogenous Leukemia. Identifiers: Orphanet 71290, MedGen C1832388, MeSH C563324, MONDO:0100083, OMIM 601399.
Hereditary thrombocytopenia and hematologic cancer predisposition syndrome. Identifiers: Orphanet 71290, MedGen CN281654, MONDO:0011071.

Submissions (2):

ClinGen Myeloid Malignancy Variant Curation Expert Panel
Classification: Uncertain significance for Hereditary thrombocytopenia and hematologic cancer predisposition syndrome. Last evaluated: 2024-10-29. Review status: reviewed by expert panel. Criteria: ClinGen MyeloMalig ACMG Specifications v2. Collection method: curation. Allele origin: germline. Inheritance: Autosomal dominant inheritance.
Comment: NM_001754.5(RUNX1):c.656T>C (p.Leu219Ser) is a missense variant which is completely absent from all population databases with at least 20x coverage for RUNX1 (PM2_Supporting). In summary, the clinical significance of this variant is uncertain. ACMG/AMP criteria applied, as specified by the Myeloid Malignancy Variant Curation Expert Panel for RUNX1: PM2_supporting.

Labcorp Genetics (formerly Invitae), Labcorp
Classification: Uncertain significance for Hereditary thrombocytopenia and hematological cancer predisposition syndrome associated with RUNX1. Last evaluated: 2020-02-19. Review status: criteria provided, single submitter. Criteria: Invitae Variant Classification Sherloc (09022015). Collection method: clinical testing. Allele origin: germline. Not counted in ClinVar's aggregate classification.
Comment: This sequence change replaces leucine with serine at codon 219 of the RUNX1 protein (p.Leu219Ser). The leucine residue is moderately conserved and there is a large physicochemical difference between leucine and serine. This variant is not present in population databases (ExAC no frequency). This variant has not been reported in the literature in individuals with RUNX1-related conditions. Algorithms developed to predict the effect of missense changes on protein structure and function are either unavailable or do not agree on the potential impact of this missense change (SIFT: "Deleterious"; PolyPhen-2: "Probably Damaging"; Align-GVGD: "Class C0"). In summary, the available evidence is currently insufficient to determine the role of this variant in disease. Therefore, it has been classified as a Variant of Uncertain Significance.

NM_001754.5(RUNX1):c.656T>C (p.Leu219Ser)

Gene: RUNX1 (RUNX family transcription factor 1; minus strand). Cytogenetic location: 21q22.12.
Variant type: single nucleotide variant.
Coding change: c.656T>C on transcript NM_001754.5 (MANE Select); coding-DNA position 656, T replaced by C.
Protein change: p.Leu219Ser; replaces leucine 219 with serine.
Molecular consequence: missense variant.
Genome position (GRCh38, 1-based): chr21:34,834,559, A>G on the plus strand (T>C on the coding strand, the complement: RUNX1 is on the minus strand). VCF-style: chr21-34834559-A-G. GRCh37 (hg19) VCF-style: chr21-36206856-A-G.
Other names: NM_001754.5(RUNX1):c.656T>C; p.Leu219Ser; c.575T>C, p.Leu192Ser (NM_001001890.3, NM_001122607.2); short protein forms L192S, L219S.
Identifiers: ClinVar variation 1010723 (VCV001010723.10), dbSNP rs2057114781, ClinGen allele CA410207013.